The following is an entry in ClinVar:

ClinVar aggregate classification (germline): Likely pathogenic (1 of 4 stars; one submission).

Submission:

Labcorp Genetics (formerly Invitae), Labcorp
Classification: Likely pathogenic. Last evaluated: 2023-02-14. Review status: criteria provided, single submitter. Criteria: Invitae Variant Classification Sherloc (09022015). Collection method: clinical testing. Allele origin: germline.
Comment: In summary, the currently available evidence indicates that the variant is pathogenic, but additional data are needed to prove that conclusively. Therefore, this variant has been classified as Likely Pathogenic. Algorithms developed to predict the effect of sequence changes on RNA splicing suggest that this variant may create or strengthen a splice site. Advanced modeling of protein sequence and biophysical properties (such as structural, functional, and spatial information, amino acid conservation, physicochemical variation, residue mobility, and thermodynamic stability) performed at Invitae indicates that this missense variant is not expected to disrupt COL4A5 protein function. This missense change has been observed in individuals with Alport syndrome (PMID: 11462238, 17660027, 19728970). It has also been observed to segregate with disease in related individuals. This variant is not present in population databases (gnomAD no frequency). This sequence change replaces proline, which is neutral and non-polar, with leucine, which is neutral and non-polar, at codon 619 of the COL4A5 protein (p.Pro619Leu).

Literature cited by the submitters: PubMed 11462238; PubMed 17660027; PubMed 19728970.

NM_033380.3(COL4A5):c.1856C>T (p.Pro619Leu)

Gene: COL4A5 (collagen type IV alpha 5 chain; plus strand). Cytogenetic location: Xq22.3.
Variant type: single nucleotide variant.
Coding change: c.1856C>T on transcript NM_033380.3 (MANE Select); coding-DNA position 1856, C replaced by T.
Protein change: p.Pro619Leu; replaces proline 619 with leucine.
Molecular consequence: missense variant.
Genome position (GRCh38, 1-based): chrX:108,598,778, C>T. VCF-style: chrX-108598778-C-T. GRCh37 (hg19) VCF-style: chrX-107842008-C-T.
Other names: c.1856C>T, p.Pro619Leu (NM_000495.5); short protein forms P619L.
Identifiers: ClinVar variation 2138696 (VCV002138696.4), dbSNP rs281874681, ClinGen allele CA258555.